The following is an entry in ClinVar:

NM_000061.3(BTK):c.1893C>G (p.Tyr631Ter)

Gene: BTK (Bruton tyrosine kinase; minus strand). Cytogenetic location: Xq22.1.
Variant type: single nucleotide variant.
Coding change: c.1893C>G on transcript NM_000061.3 (MANE Select); coding-DNA position 1893, C replaced by G.
Protein change: p.Tyr631Ter; replaces tyrosine 631 with a stop codon.
Molecular consequence: nonsense.
Genome position (GRCh38, 1-based): chrX:101,353,209, G>C on the plus strand (C>G on the coding strand, the complement: BTK is on the minus strand). VCF-style: chrX-101353209-G-C. GRCh37 (hg19) VCF-style: chrX-100608197-G-C.
Other names: c.1995C>G, p.Tyr665Ter (NM_001287344.2); c.1365C>G, p.Tyr455Ter (NM_001287345.2); short protein forms Y455*, Y665*, Y631*.
Identifiers: ClinVar variation 2737283 (VCV002737283.3), dbSNP rs2520526807, ClinGen allele CA413918454.
Genomic context (GRCh38, chrX:101,353,209, plus strand): 5'-GTAGATTCAAGGAAATAATTTAAGAGATCCTAATAAAGCACTTACCTCATGCCAGCAACT[G>C]TACATGATGGTATATACCTTCTCTGAAGCCAGATGAGGCCTGTAGAGACGTAGGCCTTGG-3'

ClinVar aggregate classification (germline): Pathogenic (1 of 4 stars; one submission).

Conditions:
X-linked agammaglobulinemia with growth hormone deficiency (IGHD3). Also called: AGAMMAGLOBULINEMIA AND ISOLATED GROWTH HORMONE DEFICIENCY, X-LINKED; FLEISHER SYNDROME; Isolated growth hormone deficiency type 3; Growth hormone deficiency with hypogammaglobulinemia; HYPOGAMMAGLOBULINEMIA AND ISOLATED GROWTH HORMONE DEFICIENCY, X-LINKED; IGHD III. Identifiers: Orphanet 231692, Orphanet 631, MedGen C0472813, MONDO:0010615, OMIM 307200.

gnomAD v4.1: 1 of 1,209,927 alleles (0.000083%); highest among the groups gnomAD compares: Non-Finnish European, 0.00011%; no homozygotes.

Submission:

Labcorp Genetics (formerly Invitae), Labcorp
Classification: Pathogenic for X-linked agammaglobulinemia with growth hormone deficiency. Last evaluated: 2023-04-16. Review status: criteria provided, single submitter. Criteria: Invitae Variant Classification Sherloc (09022015). Collection method: clinical testing. Allele origin: germline.
Comment: For these reasons, this variant has been classified as Pathogenic. This variant disrupts a region of the BTK protein in which other variant(s) (p.Phe644Ser) have been determined to be pathogenic (PMID: 8695804, 32552675). This suggests that this is a clinically significant region of the protein, and that variants that disrupt it are likely to be disease-causing. This premature translational stop signal has been observed in individual(s) with clinical features of BTK-related conditions (PMID: 19039656). This variant is not present in population databases (gnomAD no frequency). This sequence change creates a premature translational stop signal (p.Tyr631*) in the BTK gene. While this is not anticipated to result in nonsense mediated decay, it is expected to disrupt the last 29 amino acid(s) of the BTK protein.

Literature cited by the submitters: PubMed 8695804; PubMed 32552675; PubMed 19039656.